The following is an entry in ClinVar:

ClinVar aggregate classification (germline): Uncertain significance (1 of 4 stars; one submission).

gnomAD v4.1: 1 of 1,613,430 alleles (0.000062%); highest among the groups gnomAD compares: Non-Finnish European, 0.000085%; no homozygotes.

Submission:

GeneDx
Classification: Uncertain significance. Last evaluated: 2024-08-08. Review status: criteria provided, single submitter. Criteria: GeneDx Variant Classification Process June 2021. Collection method: clinical testing. Allele origin: germline. Affected: yes.
Comment: Not observed at significant frequency in large population cohorts (gnomAD); In silico analysis supports that this missense variant has a deleterious effect on protein structure/function; Has not been previously published as pathogenic or benign to our knowledge

NM_021098.3(CACNA1H):c.683C>T (p.Pro228Leu)

Gene: CACNA1H (calcium voltage-gated channel subunit alpha1 H; plus strand). Cytogenetic location: 16p13.3.
Variant type: single nucleotide variant.
Coding change: c.683C>T on transcript NM_021098.3 (MANE Select); coding-DNA position 683, C replaced by T.
Protein change: p.Pro228Leu; replaces proline 228 with leucine.
Molecular consequence: missense variant.
Genome position (GRCh38, 1-based): chr16:1,198,654, C>T. VCF-style: chr16-1198654-C-T. GRCh37 (hg19) VCF-style: chr16-1248654-C-T.
Other names: c.683C>T, p.Pro228Leu (NM_001005407.2); short protein forms P228L.
Identifiers: ClinVar variation 3602883 (VCV003602883.1).
Genomic context (GRCh38, chr16:1,198,654, plus strand): 5'-TCCTGGCCCTGCTGCCCACAGGCATGCGGATCCTGGTCACTCTGCTGCTGGATACGCTGC[C>T]CATGCTCGGGAACGTCCTTCTGCTGTGCTTCTTCGTCTTCTTCATTTTCGGCATCGTTGG-3'
Protein context (NP_066921.2, residues 218-238): ILVTLLLDTL[Pro228Leu]MLGNVLLLCF